The following is an entry in ClinVar:

NM_006904.7(PRKDC):c.9307A>G (p.Ile3103Val)

Gene: PRKDC (protein kinase, DNA-activated, catalytic subunit; minus strand). Cytogenetic location: 8q11.21.
Variant type: single nucleotide variant.
Coding change: c.9307A>G on transcript NM_006904.7 (MANE Select); coding-DNA position 9307, A replaced by G.
Protein change: p.Ile3103Val; replaces isoleucine 3103 with valine.
Molecular consequence: missense variant.
Genome position (GRCh38, 1-based): chr8:47,820,748, T>C on the plus strand (A>G on the coding strand, the complement: PRKDC is on the minus strand). VCF-style: chr8-47820748-T-C. GRCh37 (hg19) VCF-style: chr8-48733309-T-C.
Other names: c.9307A>G, p.Ile3103Val (NM_001081640.2); short protein forms I3103V.
Identifiers: ClinVar variation 1398167 (VCV001398167.4), dbSNP rs2154498984, ClinGen allele CA371139327.

ClinVar aggregate classification (germline): Uncertain significance (1 of 4 stars; one submission).

Conditions:
Severe combined immunodeficiency due to DNA-PKcs deficiency. Also called: IMMUNODEFICIENCY 26 WITH NEUROLOGIC ABNORMALITIES; Immunodeficiency 26 with or without neurologic abnormalities. Identifiers: Orphanet 317425, MedGen C4014833, MONDO:0014423, OMIM 615966.

gnomAD v4.1: 4 of 1,579,268 alleles (0.00025%); highest among the groups gnomAD compares: Non-Finnish European, 0.00034%; no homozygotes.

Submission:

Labcorp Genetics (formerly Invitae), Labcorp
Classification: Uncertain significance for Severe combined immunodeficiency due to DNA-PKcs deficiency. Last evaluated: 2022-11-01. Review status: criteria provided, single submitter. Criteria: Invitae Variant Classification Sherloc (09022015). Collection method: clinical testing. Allele origin: germline.
Comment: In summary, the available evidence is currently insufficient to determine the role of this variant in disease. Therefore, it has been classified as a Variant of Uncertain Significance. Advanced modeling of protein sequence and biophysical properties (such as structural, functional, and spatial information, amino acid conservation, physicochemical variation, residue mobility, and thermodynamic stability) performed at Invitae indicates that this missense variant is not expected to disrupt PRKDC protein function. ClinVar contains an entry for this variant (Variation ID: 1398167). This variant has not been reported in the literature in individuals affected with PRKDC-related conditions. This variant is not present in population databases (gnomAD no frequency). This sequence change replaces isoleucine, which is neutral and non-polar, with valine, which is neutral and non-polar, at codon 3103 of the PRKDC protein (p.Ile3103Val).